The following is an entry in ClinVar:

ClinVar aggregate classification (germline): Uncertain significance (1 of 4 stars; one submission).

Conditions:
3-methylglutaconic aciduria type 5. Also called: MGA, TYPE V; 3 alpha methylglutaconic aciduria type V; MGA 5; CARDIOMYOPATHY, DILATED, WITH ATAXIA. Identifiers: Orphanet 66634, MedGen C1857776, MONDO:0012435, OMIM 610198.

Submission:

Labcorp Genetics (formerly Invitae), Labcorp
Classification: Uncertain significance for 3-methylglutaconic aciduria type 5. Last evaluated: 2022-02-03. Review status: criteria provided, single submitter. Criteria: Invitae Variant Classification Sherloc (09022015). Collection method: clinical testing. Allele origin: germline.
Comment: In summary, the available evidence is currently insufficient to determine the role of this variant in disease. Therefore, it has been classified as a Variant of Uncertain Significance. Algorithms developed to predict the effect of missense changes on protein structure and function are either unavailable or do not agree on the potential impact of this missense change (SIFT: "Deleterious"; PolyPhen-2: "Possibly Damaging"; Align-GVGD: "Class C0"). ClinVar contains an entry for this variant (Variation ID: 1027288). This variant has not been reported in the literature in individuals affected with DNAJC19-related conditions. This variant is not present in population databases (gnomAD no frequency). This sequence change replaces leucine, which is neutral and non-polar, with phenylalanine, which is neutral and non-polar, at codon 87 of the DNAJC19 protein (p.Leu87Phe).

NM_145261.4(DNAJC19):c.259C>T (p.Leu87Phe)

Gene: DNAJC19 (DnaJ heat shock protein family (Hsp40) member C19; minus strand). Cytogenetic location: 3q26.33.
Variant type: single nucleotide variant.
Coding change: c.259C>T on transcript NM_145261.4 (MANE Select); coding-DNA position 259, C replaced by T.
Protein change: p.Leu87Phe; replaces leucine 87 with phenylalanine.
Molecular consequence: missense variant. On other transcripts: non-coding transcript variant (4).
Genome position (GRCh38, 1-based): chr3:180,985,947, G>A on the plus strand (C>T on the coding strand, the complement: DNAJC19 is on the minus strand). VCF-style: chr3-180985947-G-A. GRCh37 (hg19) VCF-style: chr3-180703735-G-A.
Other names: c.184C>T, p.Leu62Phe (NM_001190233.2); short protein forms L62F, L87F.
Identifiers: ClinVar variation 1027288 (VCV001027288.8), dbSNP rs1714880831, ClinGen allele CA355472257.